The following is an entry in ClinVar:

ClinVar aggregate classification (germline): Uncertain significance. Review status: criteria provided, multiple submitters, no conflicts (2 of 4 stars). 2 submissions from 2 submitters: Uncertain significance (2). Last evaluated 2025-11-24.

Allele frequency attached by ClinVar (database versions not stated): TOPMed 0.00002; ExAC 0.00003; gnomAD 0.00003; 1000 Genomes Project 0.00040; 1000 Genomes Project 30x 0.00047.
gnomAD v4.1: 17 of 1,600,250 alleles (0.0011%); highest among the groups gnomAD compares: Middle Eastern, 0.017%; no homozygotes.

Submissions (2):

Labcorp Genetics (formerly Invitae), Labcorp
Classification: Uncertain significance. Last evaluated: 2025-11-24. Review status: criteria provided, single submitter. Criteria: Invitae Variant Classification Sherloc (09022015). Collection method: clinical testing. Allele origin: germline.
Comment: This sequence change replaces proline, which is neutral and non-polar, with leucine, which is neutral and non-polar, at codon 142 of the GUF1 protein (p.Pro142Leu). This variant is present in population databases (rs534419729, gnomAD 0.02%). This variant has not been reported in the literature in individuals affected with GUF1-related conditions. ClinVar contains an entry for this variant (Variation ID: 3021498). An algorithm developed to predict the effect of missense changes on protein structure and function (PolyPhen-2) suggests that this variant is likely to be disruptive. In summary, the available evidence is currently insufficient to determine the role of this variant in disease. Therefore, it has been classified as a Variant of Uncertain Significance.

Ambry Genetics
Classification: Uncertain significance. Last evaluated: 2025-08-21. Review status: criteria provided, single submitter. Criteria: Ambry Variant Classification Scheme 2023. Collection method: clinical testing. Allele origin: germline.

NM_021927.3(GUF1):c.425C>T (p.Pro142Leu)

Gene: GUF1 (GTP binding elongation factor GUF1; plus strand). Cytogenetic location: 4p12.
Variant type: single nucleotide variant.
Coding change: c.425C>T on transcript NM_021927.3 (MANE Select); coding-DNA position 425, C replaced by T.
Protein change: p.Pro142Leu; replaces proline 142 with leucine.
Molecular consequence: missense variant. On other transcripts: 5 prime UTR variant (2).
Genome position (GRCh38, 1-based): chr4:44,680,841, C>T. VCF-style: chr4-44680841-C-T. GRCh37 (hg19) VCF-style: chr4-44682858-C-T.
Other names: c.425C>T (NM_021927.2); c.-544C>T (NM_001345867.2); c.425C>T, p.Pro142Leu (NM_001345868.2); c.-548C>T (NM_001345869.2); short protein forms P142L.
Identifiers: ClinVar variation 3021498 (VCV003021498.4), dbSNP rs534419729, ClinGen allele CA2905280.